The following is an entry in ClinVar:

NM_001429.4(EP300):c.6045G>A (p.Met2015Ile)

Gene: EP300 (EP300 lysine acetyltransferase; plus strand). Cytogenetic location: 22q13.2.
Variant type: single nucleotide variant.
Coding change: c.6045G>A on transcript NM_001429.4 (MANE Select); coding-DNA position 6045, G replaced by A.
Protein change: p.Met2015Ile; replaces methionine 2015 with isoleucine.
Molecular consequence: missense variant.
Genome position (GRCh38, 1-based): chr22:41,177,756, G>A. VCF-style: chr22-41177756-G-A. GRCh37 (hg19) VCF-style: chr22-41573760-G-A.
Other names: c.5967G>A, p.Met1989Ile (NM_001362843.2); c.6045G>A (NM_001429.3); short protein forms M1989I, M2015I.
Identifiers: ClinVar variation 2713063 (VCV002713063.4), dbSNP rs753072432, ClinGen allele CA10253769.
Genomic context (GRCh38, chr22:41,177,756, plus strand): 5'-GAGCCAAGGAGGATTGCCTCAGCCCCAGCAACTACAGTCTGGGATGCCAAGGCCAGCCAT[G>A]ATGTCAGTGGCCCAGCATGGTCAACCTTTGAACATGGCTCCACAACCAGGATTGGGCCAG-3'
Protein context (NP_001420.2, residues 2005-2025): QLQSGMPRPA[Met2015Ile]MSVAQHGQPL

ClinVar aggregate classification (germline): Uncertain significance. Review status: criteria provided, single submitter (1 of 4 stars). 2 submissions from 2 submitters: Uncertain significance (1). 1 of the submissions does not count toward it. Last evaluated 2024-10-24.

Conditions:
Rubinstein-Taybi syndrome due to EP300 haploinsufficiency. Also called: EP300-Related Rubinstein-Taybi Syndrome; RUBINSTEIN-TAYBI SYNDROME 2. Identifiers: Orphanet 353284, Orphanet 783, MedGen C3150941, MONDO:0013364, OMIM 613684.
EP300-related disorder. Also called: EP300-related condition; EP300-related disorders.

Allele frequency attached by ClinVar (database versions not stated): ExAC 0.00004.
gnomAD v4.1: 248 of 1,613,812 alleles (0.015%); highest among the groups gnomAD compares: Non-Finnish European, 0.02%; no homozygotes.

Submissions (2):

Labcorp Genetics (formerly Invitae), Labcorp
Classification: Uncertain significance for Rubinstein-Taybi syndrome due to EP300 haploinsufficiency. Last evaluated: 2024-10-24. Review status: criteria provided, single submitter. Criteria: Invitae Variant Classification Sherloc (09022015). Collection method: clinical testing. Allele origin: germline.
Comment: This sequence change replaces methionine, which is neutral and non-polar, with isoleucine, which is neutral and non-polar, at codon 2015 of the EP300 protein (p.Met2015Ile). This variant is present in population databases (rs753072432, gnomAD 0.007%). This variant has not been reported in the literature in individuals affected with EP300-related conditions. Invitae Evidence Modeling of protein sequence and biophysical properties (such as structural, functional, and spatial information, amino acid conservation, physicochemical variation, residue mobility, and thermodynamic stability) indicates that this missense variant is not expected to disrupt EP300 protein function with a negative predictive value of 95%. In summary, the available evidence is currently insufficient to determine the role of this variant in disease. Therefore, it has been classified as a Variant of Uncertain Significance.

PreventionGenetics, part of Exact Sciences
Classification: Uncertain significance for EP300-related condition. Last evaluated: 2024-07-05. Review status: no assertion criteria provided. Collection method: clinical testing. Allele origin: germline. Not counted in ClinVar's aggregate classification.
Comment: The EP300 c.6045G>A variant is predicted to result in the amino acid substitution p.Met2015Ile. To our knowledge, this variant has not been reported in the literature. This variant is reported in 0.0062% of alleles in individuals of European (Non-Finnish) descent in gnomAD. At this time, the clinical significance of this variant is uncertain due to the absence of conclusive functional and genetic evidence.